The following is an entry in ClinVar:

ClinVar aggregate classification (germline): Uncertain significance (1 of 4 stars; one submission).

gnomAD v4.1: 8 of 1,613,714 alleles (0.0005%); highest among the groups gnomAD compares: Non-Finnish European, 0.00068%; no homozygotes.

Submission:

Women's Health and Genetics/Laboratory Corporation of America, LabCorp
Classification: Uncertain significance. Last evaluated: 2026-03-03. Review status: criteria provided, single submitter. Criteria: LabCorp Variant Classification Summary - May 2015. Collection method: clinical testing. Allele origin: germline.
Comment: Variant summary: COL5A1 c.5345T>C (p.Ile1782Thr) results in a non-conservative amino acid change in the encoded protein sequence. Algorithms developed to predict the effect of missense changes on protein structure and function all suggest that this variant is likely to be disruptive. The variant allele was found at a frequency of 4e-06 in 250390 control chromosomes. The available data on variant occurrences in the general population are insufficient to allow any conclusion about variant significance. To our knowledge, no occurrence of c.5345T>C in individuals affected with COL5A1-related conditions and no experimental evidence demonstrating its impact on protein function have been reported. No submitters have cited clinical-significance assessments for this variant to ClinVar. Based on the evidence outlined above, the variant was classified as uncertain significance.

NM_000093.5(COL5A1):c.5345T>C (p.Ile1782Thr)

Genes: COL5A1 (collagen type V alpha 1 chain; plus strand), LOC101448202 (uncharacterized LOC101448202; minus strand). Cytogenetic location: 9q34.3.
Variant type: single nucleotide variant.
Coding change: c.5345T>C on transcript NM_000093.5 (MANE Select); coding-DNA position 5345, T replaced by C.
Protein change: p.Ile1782Thr; replaces isoleucine 1782 with threonine.
Molecular consequence: missense variant.
Genome position (GRCh38, 1-based): chr9:134,835,179, T>C. VCF-style: chr9-134835179-T-C. GRCh37 (hg19) VCF-style: chr9-137727025-T-C.
Other names: c.5345T>C, p.Ile1782Thr (NM_001278074.1); short protein forms I1782T.
Identifiers: ClinVar variation 4847525 (VCV004847525.1).